The following is an entry in ClinVar:

NM_002256.4(KISS1):c.417del (p.Ter139TrpextTer?)

Gene: KISS1 (KiSS-1 metastasis suppressor; minus strand). Cytogenetic location: 1q32.1.
Variant type: Deletion.
Coding change: c.417del on transcript NM_002256.4 (MANE Select); coding-DNA position 417, one base deleted (A; older notation c.417delA).
Protein change: p.Ter139TrpextTer?.
Molecular consequence: frameshift variant, stop lost.
Genome position (GRCh38, 1-based): chr1:204,190,484, T deleted on the plus strand (A on the coding strand, the reverse complement: KISS1 is on the minus strand). VCF-style (leftmost placement, unchanged base first): chr1-204190483-CT-C. GRCh37 (hg19) VCF-style: chr1-204159611-CT-C.
Identifiers: ClinVar variation 403018 (VCV000403018.16), dbSNP rs71745629, ClinGen allele CA1345108.

ClinVar aggregate classification (germline): Benign. Review status: criteria provided, multiple submitters, no conflicts (2 of 4 stars). 4 submissions from 4 submitters: Benign (4). Last evaluated 2026-02-03.

Conditions:
Hypogonadotropic hypogonadism 13 with or without anosmia (HH13). Also called: KISS1-Related GnRH Deficiency. Identifiers: Orphanet 432, MedGen C3541462, MONDO:0013915, OMIM 614842.

Allele frequency attached by ClinVar (database versions not stated): ESP Exome Variant Server 0.16724; gnomAD 0.18485 and 0.18946; TOPMed 0.19051; 1000 Genomes Project 30x 0.21565; gnomAD exomes 0.21748 and 0.22792; 1000 Genomes Project 0.22185; ExAC 0.29830.

Submissions (4):

Labcorp Genetics (formerly Invitae), Labcorp
Classification: Benign. Last evaluated: 2026-02-03. Review status: criteria provided, single submitter. Criteria: Invitae Variant Classification Sherloc (09022015). Collection method: clinical testing. Allele origin: germline.

Genome-Nilou Lab
Classification: Benign for Hypogonadotropic hypogonadism 13 with or without anosmia. Last evaluated: 2021-08-19. Review status: criteria provided, single submitter. Criteria: ACMG Guidelines, 2015. Collection method: clinical testing. Allele origin: germline. Affected: no.

GeneDx
Classification: Benign. Last evaluated: 2018-06-08. Review status: criteria provided, single submitter. Criteria: GeneDx Variant Classification Process June 2021. Collection method: clinical testing. Allele origin: germline. Affected: yes.

Laboratory for Molecular Medicine, Mass General Brigham Personalized Medicine
Classification: Benign. Last evaluated: 2016-03-28. Review status: criteria provided, single submitter. Criteria: LMM Criteria. Collection method: clinical testing. Allele origin: germline.
Comment: Variant identified in a genome or exome case(s) and assessed due to predicted null impact of the variant or pathogenic assertions in the literature or databases. Disclaimer: This variant has not undergone full assessment. The following are preliminary notes: Frequency in ESP (all): 1842/11014=16.7%